The following is an entry in ClinVar:

ClinVar aggregate classification (germline): Benign/Likely benign. Review status: criteria provided, multiple submitters, no conflicts (2 of 4 stars). 6 submissions from 6 submitters: Benign (3); Likely benign (2). 1 of the submissions does not count toward it. Last evaluated 2026-09-01.

Conditions:
CFD-related disorder. Also called: CFD-related condition.

Allele frequency attached by ClinVar (database versions not stated): 1000 Genomes Project 30x 0.00172; 1000 Genomes Project 0.00200; gnomAD exomes 0.00538 and 0.00925; ESP Exome Variant Server 0.00549; gnomAD 0.00620 and 0.00694; TOPMed 0.00626; ExAC 0.01146.

Submissions (6):

CeGaT Center for Human Genetics Tuebingen
Classification: Benign. Last evaluated: 2026-09-01. Review status: criteria provided, single submitter. Criteria: CeGaT Center For Human Genetics Tuebingen Variant Classification Criteria Version 2. Collection method: clinical testing. Allele origin: germline. Affected: yes. Observed: 6 variant alleles.
Comment: CFD: BS1, BS2

Women's Health and Genetics/Laboratory Corporation of America, LabCorp
Classification: Likely benign. Last evaluated: 2026-02-05. Review status: criteria provided, single submitter. Criteria: LabCorp Variant Classification Summary - May 2015. Collection method: clinical testing. Allele origin: germline.
Comment: Variant summary: CFD c.205G>A (p.Glu69Lys) results in a conservative amino acid change in the encoded protein sequence. Algorithms developed to predict the effect of missense changes on protein structure and function all suggest that this variant is likely to be tolerated. The variant allele was found at a frequency of 0.0054 in 171718 control chromosomes, predominantly at a frequency of 0.01 within the Non-Finnish European subpopulation in the gnomAD database, including 5 homozygotes. The observed variant frequency within Non-Finnish European control individuals in the gnomAD database exceeds the estimated maximal expected allele frequency for disease-causing variants in CFD. c.205G>A has been observed in individuals affected with infectious purpura fulminans (Bendapudi_2024). This report does not provide unequivocal conclusions about association of the variant with Recurrent Neisseria infections due to factor D deficiency. At least one publication reports experimental evidence evaluating an impact on protein function. The most pronounced variant effect results in 50% of normal activity (Bendapudi_2024). The following publication has been ascertained in the context of this evaluation (PMID: 38096369). ClinVar contains an entry for this variant (Variation ID: 1165412). Based on the evidence outlined above, the variant was classified as likely benign.

Labcorp Genetics (formerly Invitae), Labcorp
Classification: Benign. Last evaluated: 2026-02-03. Review status: criteria provided, single submitter. Criteria: Invitae Variant Classification Sherloc (09022015). Collection method: clinical testing. Allele origin: germline.

Blueprint Genetics
Classification: Likely benign. Last evaluated: 2024-11-28. Review status: criteria provided, single submitter. Criteria: ACMG Guidelines, 2015. Collection method: clinical testing. Allele origin: germline.

Breakthrough Genomics
Classification: Benign. Review status: criteria provided, single submitter. Criteria: ACMG Guidelines, 2015. Collection method: not provided. Allele origin: germline. Inheritance: Autosomal recessive inheritance. Affected: yes.

PreventionGenetics, part of Exact Sciences
Classification: Benign for CFD-related condition. Last evaluated: 2019-05-23. Review status: no assertion criteria provided. Collection method: clinical testing. Allele origin: germline. Not counted in ClinVar's aggregate classification.
Comment: This variant is classified as benign based on ACMG/AMP sequence variant interpretation guidelines (Richards et al. 2015 PMID: 25741868, with internal and published modifications).

Literature cited by the submitters: PubMed 38096369 (cited by Women's Health and Genetics/Laboratory Corporation of America, LabCorp).

NM_001928.4(CFD):c.205G>A (p.Glu69Lys)

Gene: CFD (complement factor D; plus strand). Cytogenetic location: 19p13.3.
Variant type: single nucleotide variant.
Coding change: c.205G>A on transcript NM_001928.4 (MANE Select); coding-DNA position 205, G replaced by A.
Protein change: p.Glu69Lys; replaces glutamic acid 69 with lysine.
Molecular consequence: missense variant.
Genome position (GRCh38, 1-based): chr19:860,766, G>A. VCF-style: chr19-860766-G-A. GRCh37 (hg19) VCF-style: chr19-860766-G-A.
Other names: c.226G>A, p.Glu76Lys (NM_001317335.2); c.205G>A (NM_001928.3); short protein forms E69K, E76K.
Identifiers: ClinVar variation 1165412 (VCV001165412.36), dbSNP rs35186399, ClinGen allele CA9026244.
Genomic context (GRCh38, chr19:860,766, plus strand): 5'-CACCTGTGCGGCGGCGTCCTGGTGGCGGAGCAGTGGGTGCTGAGCGCGGCGCACTGCCTG[G>A]AGGACGCGTGAGTGCCCGCGCCGCGCGGGGGAAGAGCCCGGGTGCGGTGGGGGGAGTCGG-3'
Protein context (NP_001919.2, residues 59-79): QWVLSAAHCL[Glu69Lys]DAADGKVQVL